The following is an entry in ClinVar:

NM_017849.4(TMEM127):c.408G>C (p.Thr136=)

Gene: TMEM127 (transmembrane protein 127; minus strand). Cytogenetic location: 2q11.2.
Variant type: single nucleotide variant.
Coding change: c.408G>C on transcript NM_017849.4 (MANE Select); coding-DNA position 408, G replaced by C.
Protein change: p.Thr136=; no amino-acid change (threonine 136 retained).
Molecular consequence: synonymous variant.
Genome position (GRCh38, 1-based): chr2:96,254,834, C>G on the plus strand (G>C on the coding strand, the complement: TMEM127 is on the minus strand). VCF-style: chr2-96254834-C-G. GRCh37 (hg19) VCF-style: chr2-96920572-C-G.
Other names: c.408G>C, p.Thr136= (NM_001193304.3); c.408G>C (NM_017849.3).
Identifiers: ClinVar variation 1003308 (VCV001003308.9), dbSNP rs143522428, ClinGen allele CA427495370.
Genomic context (GRCh38, chr2:96,254,834, plus strand): 5'-ACAGGATGCCCCCACCCTGTAGCAGTTCCTCTCCCACTGTGAGCAGGCTCACGGCTTACC[C>G]GTTAGGATATGGGCGAAGGCATAGCGACGAGTGATCTTCAGAGCAGGATGCTTCGGCCCA-3'
Protein context (NP_060319.1, residues 126-146): TRRYAFAHIL[Thr136=]VLQCATVIGF

ClinVar aggregate classification (germline): Conflicting classifications of pathogenicity. Review status: criteria provided, conflicting classifications (1 of 4 stars). 2 submissions from 2 submitters: Uncertain significance (1); Likely benign (1). Last evaluated 2023-09-19.

Conditions:
Hereditary pheochromocytoma and paraganglioma. Also called: Hereditary pheochromocytoma-paraganglioma; Hereditary Paraganglioma-Pheochromocytoma Syndromes; Hereditary paragangliomas and pheochromocytomas. Identifiers: Orphanet 29072, MedGen C4274332, MONDO:0017366.
Hereditary cancer-predisposing syndrome. Also called: Hereditary neoplastic syndrome; Hereditary Cancer Syndrome; Tumor predisposition; Neoplastic Syndromes, Hereditary. Identifiers: Orphanet 140162, MedGen C0027672, MeSH D009386, MONDO:0015356.

Submissions (2):

Ambry Genetics
Classification: Likely benign for Hereditary cancer-predisposing syndrome. Last evaluated: 2023-09-19. Review status: criteria provided, single submitter. Criteria: Ambry Variant Classification Scheme 2023. Collection method: clinical testing. Allele origin: germline.

Labcorp Genetics (formerly Invitae), Labcorp
Classification: Uncertain significance for Hereditary pheochromocytoma and paraganglioma. Last evaluated: 2020-10-14. Review status: criteria provided, single submitter. Criteria: Invitae Variant Classification Sherloc (09022015). Collection method: clinical testing. Allele origin: germline.
Comment: In summary, the available evidence is currently insufficient to determine the role of this variant in disease. Therefore, it has been classified as a Variant of Uncertain Significance. Algorithms developed to predict the effect of sequence changes on RNA splicing suggest that this variant is not likely to affect RNA splicing, but this prediction has not been confirmed by published transcriptional studies. This sequence change affects codon 136 of the TMEM127 mRNA. It is a 'silent' change, meaning that it does not change the encoded amino acid sequence of the TMEM127 protein. This variant is not present in population databases (ExAC no frequency). This variant has not been reported in the literature in individuals with TMEM127-related conditions.